The following is an entry in ClinVar:

NM_181836.6(TMED7):c.46C>T (p.Arg16Cys)

Genes: TMED7-TICAM2 (TMED7-TICAM2 readthrough; minus strand), TMED7 (transmembrane p24 trafficking protein 7; minus strand), LOC129994401 (ATAC-STARR-seq lymphoblastoid silent region 16254; plus strand). Cytogenetic location: 5q22.3.
Variant type: single nucleotide variant.
Coding change: c.46C>T on transcript NM_181836.6 (MANE Select); coding-DNA position 46, C replaced by T.
Protein change: p.Arg16Cys; replaces arginine 16 with cysteine.
Molecular consequence: missense variant.
Genome position (GRCh38, 1-based): chr5:115,625,747, G>A on the plus strand (C>T on the coding strand, the complement: TMED7 is on the minus strand). VCF-style: chr5-115625747-G-A. GRCh37 (hg19) VCF-style: chr5-114961444-G-A.
Other names: c.46C>T, p.Arg16Cys (NM_001164468.4, NM_001164469.4); short protein forms R16C.
Identifiers: ClinVar variation 2116229 (VCV002116229.4), dbSNP rs2531909845, ClinGen allele CA360714402.

ClinVar aggregate classification (germline): Uncertain significance (1 of 4 stars; one submission).

Allele frequency attached by ClinVar (database versions not stated): gnomAD exomes below 0.00001.
gnomAD v4.1: 1 of 1,545,216 alleles (0.000065%); highest among the groups gnomAD compares: East Asian, 0.0026%; no homozygotes.

Submission:

Labcorp Genetics (formerly Invitae), Labcorp
Classification: Uncertain significance. Last evaluated: 2022-08-23. Review status: criteria provided, single submitter. Criteria: Invitae Variant Classification Sherloc (09022015). Collection method: clinical testing. Allele origin: germline.
Comment: This sequence change replaces arginine, which is basic and polar, with cysteine, which is neutral and slightly polar, at codon 16 of the TMED7 protein (p.Arg16Cys). This variant is not present in population databases (gnomAD no frequency). This variant has not been reported in the literature in individuals affected with TMED7-related conditions. Algorithms developed to predict the effect of missense changes on protein structure and function output the following: SIFT: "Tolerated"; PolyPhen-2: "Benign"; Align-GVGD: "Class C0". The cysteine amino acid residue is found in multiple mammalian species, which suggests that this missense change does not adversely affect protein function. In summary, the available evidence is currently insufficient to determine the role of this variant in disease. Therefore, it has been classified as a Variant of Uncertain Significance.